The following is an entry in ClinVar:

ClinVar aggregate classification (germline): Benign (0 of 4 stars; one submission).

Conditions:
RALGAPB-related disorder. Also called: RALGAPB-related condition.

Allele frequency attached by ClinVar (database versions not stated): TOPMed 0.00235; ExAC 0.00278; 1000 Genomes Project 30x 0.00500; 1000 Genomes Project 0.00599; ESP Exome Variant Server 0.00038; gnomAD exomes 0.00099; gnomAD 0.00157.
gnomAD v4.1: 1,707 of 1,613,608 alleles (0.11%); highest among the groups gnomAD compares: East Asian, 1.9%; 18 homozygotes.

Submission:

PreventionGenetics, part of Exact Sciences
Classification: Benign for RALGAPB-related condition. Last evaluated: 2019-11-11. Review status: no assertion criteria provided. Collection method: clinical testing. Allele origin: germline.
Comment: This variant is classified as benign based on ACMG/AMP sequence variant interpretation guidelines (Richards et al. 2015 PMID: 25741868, with internal and published modifications).

NM_020336.4(RALGAPB):c.3852T>C (p.Asp1284=)

Gene: RALGAPB (Ral GTPase activating protein non-catalytic subunit beta; plus strand). Cytogenetic location: 20q11.23.
Variant type: single nucleotide variant.
Coding change: c.3852T>C on transcript NM_020336.4 (MANE Select); coding-DNA position 3852, T replaced by C.
Protein change: p.Asp1284=; no amino-acid change (aspartic acid 1284 retained).
Molecular consequence: synonymous variant.
Genome position (GRCh38, 1-based): chr20:38,567,130, T>C. VCF-style: chr20-38567130-T-C. GRCh37 (hg19) VCF-style: chr20-37195773-T-C.
Other names: c.3852T>C, p.Asp1284= (NM_001282917.2); c.3843T>C, p.Asp1281= (NM_001282918.2).
Identifiers: ClinVar variation 3039494 (VCV003039494.2), dbSNP rs117581089, ClinGen allele CA9854592.